The following is an entry in ClinVar:

ClinVar aggregate classification (germline): Likely pathogenic (1 of 4 stars; one submission).

gnomAD v4.1: 1 of 1,610,904 alleles (0.000062%); highest among the groups gnomAD compares: African/African-American, 0.0013%; no homozygotes.

Submission:

Labcorp Genetics (formerly Invitae), Labcorp
Classification: Likely pathogenic. Last evaluated: 2026-01-16. Review status: criteria provided, single submitter. Criteria: Invitae Variant Classification Sherloc (09022015). Collection method: clinical testing. Allele origin: germline.
Comment: This sequence change affects an acceptor splice site in intron 25 of the ADGRV1 gene. It is expected to disrupt RNA splicing. Variants that disrupt the donor or acceptor splice site typically lead to a loss of protein function (PMID: 16199547), and loss-of-function variants in ADGRV1 are known to be pathogenic (PMID: 19357117, 22135276, 22147658, 26226137, 30718709, 31047384, 32467589). This variant is not present in population databases (gnomAD no frequency). This variant has not been reported in the literature in individuals affected with ADGRV1-related conditions. Algorithms developed to predict the effect of sequence changes on RNA splicing suggest that this variant may create or strengthen a splice site. In summary, the currently available evidence indicates that the variant is pathogenic, but additional data are needed to prove that conclusively. Therefore, this variant has been classified as Likely Pathogenic.

Literature cited by the submitters: PubMed 16199547; PubMed 19357117; PubMed 22135276; PubMed 22147658; PubMed 26226137; PubMed 30718709; PubMed 31047384; PubMed 32467589.

NM_032119.4(ADGRV1):c.5444-2A>C

Gene: ADGRV1 (adhesion G protein-coupled receptor V1; plus strand). Cytogenetic location: 5q14.3.
Variant type: single nucleotide variant.
Coding change: c.5444-2A>C on transcript NM_032119.4 (MANE Select); the canonical splice acceptor site of the intron before coding-DNA position 5444, A replaced by C.
Molecular consequence: splice acceptor variant.
Genome position (GRCh38, 1-based): chr5:90,679,547, A>C. VCF-style: chr5-90679547-A-C. GRCh37 (hg19) VCF-style: chr5-89975364-A-C.
Identifiers: ClinVar variation 4716892 (VCV004716892.1).